The following is an entry in ClinVar:

NM_017777.4(MKS1):c.892C>T (p.Leu298Phe)

Gene: MKS1 (MKS transition zone complex subunit 1; minus strand). Cytogenetic location: 17q22.
Variant type: single nucleotide variant.
Coding change: c.892C>T on transcript NM_017777.4 (MANE Select); coding-DNA position 892, C replaced by T.
Protein change: p.Leu298Phe; replaces leucine 298 with phenylalanine.
Molecular consequence: missense variant.
Genome position (GRCh38, 1-based): chr17:58,212,401, G>A on the plus strand (C>T on the coding strand, the complement: MKS1 is on the minus strand). VCF-style: chr17-58212401-G-A. GRCh37 (hg19) VCF-style: chr17-56289762-G-A.
Other names: c.283C>T, p.Leu95Phe (NM_001321268.2); c.892C>T, p.Leu298Phe (NM_001321269.2, NM_001330397.2, NM_001411113.1); short protein forms L95F, L298F.
Identifiers: ClinVar variation 2201928 (VCV002201928.4), dbSNP rs78774579, ClinGen allele CA292012469.
Genomic context (GRCh38, chr17:58,212,401, plus strand): 5'-CACAGCTCACAGTGCTGCAGGAAGCCAAGCTACTCACCATCTCAAAGTCGGTGCCTACGA[G>A]GCTGCTGAGATACTCCTTGTGCCGGCCATAAAGCTGAGGAAACAAACCAAACCAAAACTC-3'
Protein context (NP_060247.2, residues 288-308): YGRHKEYLSS[Leu298Phe]VGTDFEMTVP

ClinVar aggregate classification (germline): Uncertain significance. Review status: criteria provided, multiple submitters, no conflicts (2 of 4 stars). 3 submissions from 3 submitters: Uncertain significance (3). Last evaluated 2026-03-25.

Conditions:
Bardet-Biedl syndrome 13 (BBS13). Identifiers: Orphanet 110, MedGen C2673873, MONDO:0014441, OMIM 615990.
Meckel syndrome, type 1 (MKS1). Also called: MECKEL-GRUBER SYNDROME, TYPE 1. Identifiers: Orphanet 564, MedGen C3714506, MONDO:0009571, OMIM 249000.
Joubert syndrome 28 (JBTS28). Identifiers: MedGen C4310705, MONDO:0014928, OMIM 617121.
Meckel-Gruber syndrome. Also called: DYSENCEPHALIA SPLANCHNOCYSTICA; GRUBER SYNDROME; Dysencephalia splachnocystica. Identifiers: Orphanet 564, MedGen C0265215, MONDO:0018921.
Joubert syndrome. Also called: JOUBERT-BOLTSHAUSER SYNDROME; Familial aplasia of the vermis. Identifiers: Orphanet 475, MedGen C5979921, MONDO:0018772.
MKS1-related disorder. Also called: MKS1-related disorders; MKS1-related condition. Identifiers: MedGen CN239382.

Allele frequency attached by ClinVar (database versions not stated): gnomAD exomes below 0.00001; gnomAD 0.00001; TOPMed 0.00001; ESP Exome Variant Server 0.00008.
gnomAD v4.1: 4 of 1,614,080 alleles (0.00025%); highest among the groups gnomAD compares: African/African-American, 0.0027%; no homozygotes.

Submissions (3):

PreventionGenetics, part of Exact Sciences
Classification: Uncertain significance for MKS1-related condition. Last evaluated: 2026-03-25. Review status: criteria provided, single submitter. Criteria: ACMG Guidelines, 2015. Collection method: clinical testing. Allele origin: germline.
Comment: The MKS1 c.892C>T variant is predicted to result in the amino acid substitution p.Leu298Phe. To our knowledge, this variant has not been reported in the literature. This variant is reported in 0.0065% of alleles in individuals of African descent in gnomAD. At this time, the clinical significance of this variant is uncertain due to the absence of conclusive functional and genetic evidence.

Labcorp Genetics (formerly Invitae), Labcorp
Classification: Uncertain significance for Joubert syndrome; Meckel-Gruber syndrome. Last evaluated: 2025-06-12. Review status: criteria provided, single submitter. Criteria: Invitae Variant Classification Sherloc (09022015). Collection method: clinical testing. Allele origin: germline.
Comment: This sequence change replaces leucine, which is neutral and non-polar, with phenylalanine, which is neutral and non-polar, at codon 298 of the MKS1 protein (p.Leu298Phe). This variant is present in population databases (rs78774579, gnomAD 0.007%). This variant has not been reported in the literature in individuals affected with MKS1-related conditions. ClinVar contains an entry for this variant (Variation ID: 2201928). Invitae Evidence Modeling of protein sequence and biophysical properties (such as structural, functional, and spatial information, amino acid conservation, physicochemical variation, residue mobility, and thermodynamic stability) has been performed for this missense variant. However, the output from this modeling did not meet the statistical confidence thresholds required to predict the impact of this variant on MKS1 protein function. In summary, the available evidence is currently insufficient to determine the role of this variant in disease. Therefore, it has been classified as a Variant of Uncertain Significance.

Fulgent Genetics
Classification: Uncertain significance for Meckel syndrome, type 1; Bardet-Biedl syndrome 13; Joubert syndrome 28. Last evaluated: 2024-01-11. Review status: criteria provided, single submitter. Criteria: ACMG Guidelines, 2015. Collection method: clinical testing. Allele origin: germline.